The following is an entry in ClinVar:

NM_006939.4(SOS2):c.259A>G (p.Ile87Val)

Gene: SOS2 (SOS Ras/Rho guanine nucleotide exchange factor 2; minus strand). Cytogenetic location: 14q21.3.
Variant type: single nucleotide variant.
Coding change: c.259A>G on transcript NM_006939.4 (MANE Select); coding-DNA position 259, A replaced by G.
Protein change: p.Ile87Val; replaces isoleucine 87 with valine.
Molecular consequence: missense variant.
Genome position (GRCh38, 1-based): chr14:50,201,039, T>C on the plus strand (A>G on the coding strand, the complement: SOS2 is on the minus strand). VCF-style: chr14-50201039-T-C. GRCh37 (hg19) VCF-style: chr14-50667757-T-C.
Other names: c.259A>G, p.Ile87Val (NM_001411020.1); short protein forms I87V.
Identifiers: ClinVar variation 3799920 (VCV003799920.1).

ClinVar aggregate classification (germline): Uncertain significance (1 of 4 stars; one submission).

Conditions:
Cardiovascular phenotype. Identifiers: MedGen CN230736.

Submission:

Ambry Genetics
Classification: Uncertain significance for Cardiovascular phenotype. Last evaluated: 2025-02-06. Review status: criteria provided, single submitter. Criteria: Ambry Variant Classification Scheme 2023. Collection method: clinical testing. Allele origin: germline.
Comment: The p.I87V variant (also known as c.259A>G), located in coding exon 3 of the SOS2 gene, results from an A to G substitution at nucleotide position 259. The isoleucine at codon 87 is replaced by valine, an amino acid with highly similar properties. This amino acid position is conserved. In addition, the in silico prediction for this alteration is inconclusive. Based on the available evidence, the clinical significance of this variant remains unclear.